The following is an entry in ClinVar:

NM_032776.3(JMJD1C):c.4714G>A (p.Gly1572Arg)

Gene: JMJD1C (jumonji domain containing 1C; minus strand). Cytogenetic location: 10q21.3.
Variant type: single nucleotide variant.
Coding change: c.4714G>A on transcript NM_032776.3 (MANE Select); coding-DNA position 4714, G replaced by A.
Protein change: p.Gly1572Arg; replaces glycine 1572 with arginine.
Molecular consequence: missense variant. On other transcripts: non-coding transcript variant (1).
Genome position (GRCh38, 1-based): chr10:63,206,955, C>T on the plus strand (G>A on the coding strand, the complement: JMJD1C is on the minus strand). VCF-style: chr10-63206955-C-T. GRCh37 (hg19) VCF-style: chr10-64966715-C-T.
Other names: c.4168G>A, p.Gly1390Arg (NM_001282948.2, NM_001318154.2); c.3850G>A, p.Gly1284Arg (NM_001318153.2); c.4600G>A, p.Gly1534Arg (NM_001322252.2); c.4057G>A, p.Gly1353Arg (NM_001322254.2, NM_001322258.2); short protein forms G1284R, G1534R, G1390R, G1353R, G1572R.
Identifiers: ClinVar variation 942727 (VCV000942727.9), dbSNP rs934299384, ClinGen allele CA208371343.
Genomic context (GRCh38, chr10:63,206,955, plus strand): 5'-TAGATGTAGAGGCTATTAAGTTGACAGAACATGGCTTAATAATTTCTGATACAGAATTCC[C>T]TGAATTTTCCATTTTATTAGTATTTTTATCTTCTTCTGAGTGTCTGGTGAGCCAGGCCTT-3'
Protein context (NP_116165.1, residues 1562-1582): DKNTNKMENS[Gly1572Arg]NSVSEIIKPC

ClinVar aggregate classification (germline): Uncertain significance (1 of 4 stars; one submission).

Conditions:
Early Myoclonic Encephalopathy. Identifiers: MedGen C0270855.

Allele frequency attached by ClinVar (database versions not stated): gnomAD exomes below 0.00001.
gnomAD v4.1: 1 of 1,612,084 alleles (0.000062%); highest among the groups gnomAD compares: Admixed American, 0.0017%; no homozygotes.

Submission:

Labcorp Genetics (formerly Invitae), Labcorp
Classification: Uncertain significance for Early Myoclonic Encephalopathy. Last evaluated: 2022-02-05. Review status: criteria provided, single submitter. Criteria: Invitae Variant Classification Sherloc (09022015). Collection method: clinical testing. Allele origin: germline.
Comment: In summary, the available evidence is currently insufficient to determine the role of this variant in disease. Therefore, it has been classified as a Variant of Uncertain Significance. Algorithms developed to predict the effect of missense changes on protein structure and function are either unavailable or do not agree on the potential impact of this missense change (SIFT: "Deleterious"; PolyPhen-2: "Probably Damaging"; Align-GVGD: "Class C0"). ClinVar contains an entry for this variant (Variation ID: 942727). This variant has not been reported in the literature in individuals affected with JMJD1C-related conditions. This variant is not present in population databases (gnomAD no frequency). This sequence change replaces glycine, which is neutral and non-polar, with arginine, which is basic and polar, at codon 1572 of the JMJD1C protein (p.Gly1572Arg).